The following is an entry in ClinVar:

ClinVar aggregate classification (germline): Uncertain significance (1 of 4 stars; one submission).

Submission:

Ambry Genetics
Classification: Uncertain significance. Last evaluated: 2024-08-08. Review status: criteria provided, single submitter. Criteria: Ambry Variant Classification Scheme 2023. Collection method: clinical testing. Allele origin: germline.
Comment: The p.S844F variant (also known as c.2531C>T), located in coding exon 21 of the BUB1 gene, results from a C to T substitution at nucleotide position 2531. The serine at codon 844 is replaced by phenylalanine, an amino acid with highly dissimilar properties. This amino acid position is conserved. In addition, this alteration is predicted to be tolerated by in silico analysis. Based on the available evidence, the clinical significance of this variant remains unclear.

NM_004336.5(BUB1):c.2531C>T (p.Ser844Phe)

Gene: BUB1 (BUB1 mitotic checkpoint serine/threonine kinase; minus strand). Cytogenetic location: 2q13.
Variant type: single nucleotide variant.
Coding change: c.2531C>T on transcript NM_004336.5 (MANE Select); coding-DNA position 2531, C replaced by T.
Protein change: p.Ser844Phe; replaces serine 844 with phenylalanine.
Molecular consequence: missense variant.
Genome position (GRCh38, 1-based): chr2:110,641,736, G>A on the plus strand (C>T on the coding strand, the complement: BUB1 is on the minus strand). VCF-style: chr2-110641736-G-A. GRCh37 (hg19) VCF-style: chr2-111399313-G-A.
Other names: c.2471C>T, p.Ser824Phe (NM_001278616.2); c.2531C>T, p.Ser844Phe (NM_001278617.2); short protein forms S844F, S824F.
Identifiers: ClinVar variation 3483035 (VCV003483035.1).